The following is an entry in ClinVar:

ClinVar aggregate classification (germline): Benign. Review status: criteria provided, multiple submitters, no conflicts (2 of 4 stars). 6 submissions from 6 submitters: Benign (6). Last evaluated 2026-01-27.

Conditions:
Holoprosencephaly 11 (HPE11). Identifiers: Orphanet 2162, MedGen C3280215, MONDO:0013642, OMIM 614226.

Allele frequency attached by ClinVar (database versions not stated): gnomAD exomes 0.00330 and 0.00719; ExAC 0.00865; gnomAD 0.02433 and 0.02598; ESP Exome Variant Server 0.02685; 1000 Genomes Project 0.02716; 1000 Genomes Project 30x 0.02764; TOPMed 0.02795.
gnomAD v4.1: 8,736 of 1,614,134 alleles (0.54%); highest among the groups gnomAD compares: African/African-American, 8.5%; 283 homozygotes.

Submissions (6):

Labcorp Genetics (formerly Invitae), Labcorp
Classification: Benign for Holoprosencephaly 11. Last evaluated: 2026-01-27. Review status: criteria provided, single submitter. Criteria: Invitae Variant Classification Sherloc (09022015). Collection method: clinical testing. Allele origin: germline.

ARUP Laboratories, Molecular Genetics and Genomics, ARUP Laboratories
Classification: Benign for Holoprosencephaly 11. Last evaluated: 2023-11-22. Review status: criteria provided, single submitter. Criteria: ARUP Molecular Germline Variant Investigation Process 2024. Collection method: clinical testing. Allele origin: germline.

GeneDx
Classification: Benign. Last evaluated: 2019-01-09. Review status: criteria provided, single submitter. Criteria: GeneDx Variant Classification Process June 2021. Collection method: clinical testing. Allele origin: germline. Affected: yes.

Illumina Laboratory Services, Illumina
Classification: Benign for Holoprosencephaly 11. Last evaluated: 2018-01-13. Review status: criteria provided, single submitter. Criteria: ICSL Variant Classification Criteria 13 December 2019. Collection method: clinical testing. Allele origin: germline.
Comment: This variant was observed in the ICSL laboratory as part of a predisposition screen in an ostensibly healthy population. It had not been previously curated by ICSL or reported in the Human Gene Mutation Database (HGMD: prior to June 1st, 2018), and was therefore a candidate for classification through an automated scoring system. Utilizing variant allele frequency, disease prevalence and penetrance estimates, and inheritance mode, an automated score was calculated to assess if this variant is too frequent to cause the disease. Based on the score and internal cut-off values, a variant classified as benign is not then subjected to further curation. The score for this variant resulted in a classification of benign for this disease.

Breakthrough Genomics
Classification: Benign. Review status: criteria provided, single submitter. Criteria: ACMG Guidelines, 2015. Collection method: not provided. Allele origin: germline. Inheritance: Autosomal dominant inheritance. Affected: yes.

PreventionGenetics, part of Exact Sciences
Classification: Benign. Review status: criteria provided, single submitter. Criteria: ACMG Guidelines, 2015. Collection method: clinical testing. Allele origin: germline.

NM_001378964.1(CDON):c.3526G>A (p.Val1176Ile)

Gene: CDON (cell adhesion associated, oncogene regulated; minus strand). Cytogenetic location: 11q24.2.
Variant type: single nucleotide variant.
Coding change: c.3526G>A on transcript NM_001378964.1 (MANE Select); coding-DNA position 3526, G replaced by A.
Protein change: p.Val1176Ile; replaces valine 1176 with isoleucine.
Molecular consequence: missense variant.
Genome position (GRCh38, 1-based): chr11:125,961,829, C>T on the plus strand (G>A on the coding strand, the complement: CDON is on the minus strand). VCF-style: chr11-125961829-C-T. GRCh37 (hg19) VCF-style: chr11-125831724-C-T.
Other names: c.3526G>A, p.Val1176Ile (NM_001243597.3, NM_016952.6); short protein forms V1176I.
Identifiers: ClinVar variation 260796 (VCV000260796.20), dbSNP rs78304400, ClinGen allele CA6351384.